The following is an entry in ClinVar:

ClinVar aggregate classification (germline): Uncertain significance (1 of 4 stars; one submission).

Conditions:
Cardiovascular phenotype. Identifiers: MedGen CN230736.

Allele frequency attached by ClinVar (database versions not stated): gnomAD exomes below 0.00001.
gnomAD v4.1: 4 of 1,606,634 alleles (0.00025%); highest among the groups gnomAD compares: Non-Finnish European, 0.00017%; no homozygotes.

Submission:

Ambry Genetics
Classification: Uncertain significance for Cardiovascular phenotype. Last evaluated: 2021-10-25. Review status: criteria provided, single submitter. Criteria: Ambry Variant Classification Scheme 2023. Collection method: clinical testing. Allele origin: germline.
Comment: The p.P3492A variant (also known as c.10474C>G), located in coding exon 30 of the TNXB gene, results from a C to G substitution at nucleotide position 10474. The proline at codon 3492 is replaced by alanine, an amino acid with highly similar properties. This amino acid position is conserved. In addition, this alteration is predicted to be tolerated by in silico analysis. Since supporting evidence is limited at this time, the clinical significance of this alteration remains unclear.

NM_001365276.2(TNXB):c.10480C>G (p.Pro3494Ala)

Gene: TNXB (tenascin XB; minus strand). Cytogenetic location: 6p21.33.
Variant type: single nucleotide variant.
Coding change: c.10480C>G on transcript NM_001365276.2 (MANE Select); coding-DNA position 10480, C replaced by G.
Protein change: p.Pro3494Ala; replaces proline 3494 with alanine.
Molecular consequence: missense variant.
Genome position (GRCh38, 1-based): chr6:32,046,301, G>C on the plus strand (C>G on the coding strand, the complement: TNXB is on the minus strand). VCF-style: chr6-32046301-G-C. GRCh37 (hg19) VCF-style: chr6-32014078-G-C.
Other names: c.10474C>G, p.Pro3492Ala (NM_019105.8); short protein forms P3492A, P3494A.
Identifiers: ClinVar variation 1775626 (VCV001775626.2), dbSNP rs2483393801, ClinGen allele CA363528651.